The following is an entry in ClinVar:

NM_001376.5(DYNC1H1):c.5974_5975del (p.Lys1992fs)

Gene: DYNC1H1 (dynein cytoplasmic 1 heavy chain 1; plus strand). Cytogenetic location: 14q32.31.
Variant type: Deletion.
Coding change: c.5974_5975del on transcript NM_001376.5 (MANE Select); coding-DNA positions 5974 to 5975, 2 bases deleted (AA; older notation c.5974_5975delAA).
Protein change: p.Lys1992fs; shifts the reading frame from lysine 1992.
Molecular consequence: frameshift variant.
Genome position (GRCh38, 1-based): chr14:102,008,334-102,008,335, AA deleted. VCF-style (leftmost placement, unchanged base first): chr14-102008333-CAA-C. GRCh37 (hg19) VCF-style: chr14-102474670-CAA-C.
Other names: short protein forms K1992fs.
Identifiers: ClinVar variation 4772921 (VCV004772921.1).
Genomic context (GRCh38, chr14:102,008,333, plus strand): 5'-GTCCCAGCAGGTGCAGTGCATACAGGAAGCACTGCGTGAACATTCCAACCCCAACTACGA[CAA>C]GAGTAAGACACCTCTTCTTCAAAAATTACTTAGAGAATGTAGAGGGAAATTCCCTAGTGA-3'

ClinVar aggregate classification (germline): Uncertain significance (1 of 4 stars; one submission).

Conditions:
Charcot-Marie-Tooth disease axonal type 2O. Also called: Charcot-Marie-Tooth disease, axonal, type 20; CHARCOT-MARIE-TOOTH NEUROPATHY, AXONAL, TYPE 2O; CHARCOT-MARIE-TOOTH DISEASE, AXONAL, AUTOSOMAL DOMINANT, TYPE 2O; Charcot-Marie-Tooth Neuropathy Type 2O. Identifiers: Orphanet 284232, MedGen C3280220, MONDO:0013644, OMIM 614228.

Submission:

Labcorp Genetics (formerly Invitae), Labcorp
Classification: Uncertain significance for Charcot-Marie-Tooth disease axonal type 2O. Last evaluated: 2025-04-28. Review status: criteria provided, single submitter. Criteria: Invitae Variant Classification Sherloc (09022015). Collection method: clinical testing. Allele origin: germline.
Comment: This sequence change creates a premature translational stop signal (p.Lys1992Aspfs*8) in the DYNC1H1 gene. It is expected to result in an absent or disrupted protein product. However, the current clinical and genetic evidence is not sufficient to establish whether loss-of-function variants in DYNC1H1 cause disease. This variant is not present in population databases (gnomAD no frequency). This variant has not been reported in the literature in individuals affected with DYNC1H1-related conditions. In summary, the available evidence is currently insufficient to determine the role of this variant in disease. Therefore, it has been classified as a Variant of Uncertain Significance.